The following is an entry in ClinVar:

NM_004046.6(ATP5F1A):c.490A>G (p.Ile164Val)

Gene: ATP5F1A (ATP synthase F1 subunit alpha; minus strand). Cytogenetic location: 18q21.1.
Variant type: single nucleotide variant.
Coding change: c.490A>G on transcript NM_004046.6 (MANE Select); coding-DNA position 490, A replaced by G.
Protein change: p.Ile164Val; replaces isoleucine 164 with valine.
Molecular consequence: missense variant.
Genome position (GRCh38, 1-based): chr18:46,089,726, T>C on the plus strand (A>G on the coding strand, the complement: ATP5F1A is on the minus strand). VCF-style: chr18-46089726-T-C. GRCh37 (hg19) VCF-style: chr18-43669692-T-C.
Other names: c.340A>G, p.Ile114Val (NM_001001935.3, NM_001257335.2); c.490A>G, p.Ile164Val (NM_001001937.2); c.424A>G, p.Ile142Val (NM_001257334.2); short protein forms I164V, I114V, I142V.
Identifiers: ClinVar variation 3715617 (VCV003715617.3).

ClinVar aggregate classification (germline): Uncertain significance. Review status: criteria provided, multiple submitters, no conflicts (2 of 4 stars). 2 submissions from 2 submitters: Uncertain significance (2). Last evaluated 2026-09-01.

gnomAD v4.1: 38 of 1,613,380 alleles (0.0024%); highest among the groups gnomAD compares: Middle Eastern, 0.016%; 1 homozygote.

Submissions (2):

CeGaT Center for Human Genetics Tuebingen
Classification: Uncertain significance. Last evaluated: 2026-09-01. Review status: criteria provided, single submitter. Criteria: CeGaT Center For Human Genetics Tuebingen Variant Classification Criteria Version 2. Collection method: clinical testing. Allele origin: germline. Affected: yes. Observed: 1 variant allele.
Comment: ATP5F1A: PM2, BP4

Labcorp Genetics (formerly Invitae), Labcorp
Classification: Uncertain significance. Last evaluated: 2024-02-08. Review status: criteria provided, single submitter. Criteria: Invitae Variant Classification Sherloc (09022015). Collection method: clinical testing. Allele origin: germline.
Comment: This sequence change replaces isoleucine, which is neutral and non-polar, with valine, which is neutral and non-polar, at codon 164 of the ATP5A1 protein (p.Ile164Val). This variant is present in population databases (rs746703083, gnomAD 0.007%). This variant has not been reported in the literature in individuals affected with ATP5A1-related conditions. Advanced modeling of protein sequence and biophysical properties (such as structural, functional, and spatial information, amino acid conservation, physicochemical variation, residue mobility, and thermodynamic stability) performed at Invitae indicates that this missense variant is not expected to disrupt ATP5A1 protein function with a negative predictive value of 80%. In summary, the available evidence is currently insufficient to determine the role of this variant in disease. Therefore, it has been classified as a Variant of Uncertain Significance.